The following is an entry in ClinVar:

ClinVar aggregate classification (germline): Benign (1 of 4 stars; one submission).

Conditions:
BAP1-related tumor predisposition syndrome (TPDS1). Also called: BAP1 tumor predisposition syndrome; Tumor susceptibility linked to germline BAP1 mutations; COMMON Syndrome; TUMOR PREDISPOSITION SYNDROME 1. Identifiers: Orphanet 289539, MedGen C3280492, MONDO:0013692, OMIM 614327.

gnomAD v4.1: 2 of 1,614,088 alleles (0.00012%); no homozygotes.

Submission:

Myriad Genetics, Inc.
Classification: Benign for BAP1-related tumor predisposition syndrome. Last evaluated: 2024-07-11. Review status: criteria provided, single submitter. Criteria: Myriad Autosomal Dominant, Autosomal Recessive and X-Linked Classification Criteria (2023). Collection method: clinical testing. Allele origin: unknown.
Comment: This variant is considered benign. This variant is a silent/synonymous amino acid change and it is not expected to impact splicing.

NM_004656.4(BAP1):c.54C>G (p.Leu18=)

Gene: BAP1 (BRCA1 associated deubiquitinase 1; minus strand). Cytogenetic location: 3p21.1.
Variant type: single nucleotide variant.
Coding change: c.54C>G on transcript NM_004656.4 (MANE Select); coding-DNA position 54, C replaced by G.
Protein change: p.Leu18=; no amino-acid change (leucine 18 retained).
Molecular consequence: synonymous variant.
Genome position (GRCh38, 1-based): chr3:52,409,727, G>C on the plus strand (C>G on the coding strand, the complement: BAP1 is on the minus strand). VCF-style: chr3-52409727-G-C. GRCh37 (hg19) VCF-style: chr3-52443743-G-C.
Other names: c.54C>G, p.Leu18= (NM_001410772.1).
Identifiers: ClinVar variation 3379175 (VCV003379175.1).
Genomic context (GRCh38, chr3:52,409,727, plus strand): 5'-GGGTGGGCCGCCACAGCCCCGGTCCGGCAGGGAGAAAAGGCTCTTACCGAAATCTTCCAC[G>C]AGCAGGGTGAAGAGGCCTGGGTGGGGCGACAAGAGGAGGGGGTGATGGTCAGGCAGGCGC-3'
Protein context (NP_004647.1, residues 8-28): LESDPGLFTL[Leu18=]VEDFGVKGVQ